The following is an entry in ClinVar:

ClinVar aggregate classification (germline): Uncertain significance. Review status: criteria provided, multiple submitters, no conflicts (2 of 4 stars). 2 submissions from 2 submitters: Uncertain significance (2). Last evaluated 2025-10-14.

Conditions:
Inborn genetic diseases. Identifiers: MedGen C0950123, MeSH D030342.

Allele frequency attached by ClinVar (database versions not stated): ExAC 0.00002; gnomAD 0.00005; TOPMed 0.00008; gnomAD exomes 0.00005.
gnomAD v4.1: 84 of 1,613,914 alleles (0.0052%); highest among the groups gnomAD compares: African/African-American, 0.015%; no homozygotes.

Submissions (2):

Labcorp Genetics (formerly Invitae), Labcorp
Classification: Uncertain significance. Last evaluated: 2025-10-14. Review status: criteria provided, single submitter. Criteria: Invitae Variant Classification Sherloc (09022015). Collection method: clinical testing. Allele origin: germline.
Comment: This sequence change replaces alanine, which is neutral and non-polar, with valine, which is neutral and non-polar, at codon 459 of the PLG protein (p.Ala459Val). This variant is present in population databases (rs771575586, gnomAD 0.03%). This variant has not been reported in the literature in individuals affected with PLG-related conditions. ClinVar contains an entry for this variant (Variation ID: 2408979). Invitae Evidence Modeling of protein sequence and biophysical properties (such as structural, functional, and spatial information, amino acid conservation, physicochemical variation, residue mobility, and thermodynamic stability) indicates that this missense variant is not expected to disrupt PLG protein function with a negative predictive value of 80%. In summary, the available evidence is currently insufficient to determine the role of this variant in disease. Therefore, it has been classified as a Variant of Uncertain Significance.

Ambry Genetics
Classification: Uncertain significance for Inborn genetic diseases. Last evaluated: 2025-08-04. Review status: criteria provided, single submitter. Criteria: Ambry Variant Classification Scheme 2023. Collection method: clinical testing. Allele origin: germline.

NM_000301.5(PLG):c.1376C>T (p.Ala459Val)

Gene: PLG (plasminogen; plus strand). Cytogenetic location: 6q26.
Variant type: single nucleotide variant.
Coding change: c.1376C>T on transcript NM_000301.5 (MANE Select); coding-DNA position 1376, C replaced by T.
Protein change: p.Ala459Val; replaces alanine 459 with valine.
Molecular consequence: missense variant.
Genome position (GRCh38, 1-based): chr6:160,731,170, C>T. VCF-style: chr6-160731170-C-T. GRCh37 (hg19) VCF-style: chr6-161152202-C-T.
Other names: short protein forms A459V.
Identifiers: ClinVar variation 2408979 (VCV002408979.6), dbSNP rs771575586, ClinGen allele CA4087761.
Genomic context (GRCh38, chr6:160,731,170, plus strand): 5'-CCACAGACCCCAGCGTCAGGTGGGAGTACTGCAACCTGAAAAAATGCTCAGGAACAGAAG[C>T]GAGTGTTGTAGCACCTCCGCCTGTTGTCCTGCTTCCAGATGTAGAGACTCCTTCCGAAGA-3'
Protein context (NP_000292.1, residues 449-469): CNLKKCSGTE[Ala459Val]SVVAPPPVVL